The following is an entry in ClinVar:

NM_001276345.2(TNNT2):c.443A>G (p.Gln148Arg)

Gene: TNNT2 (troponin T2, cardiac type; minus strand). Cytogenetic location: 1q32.1.
Variant type: single nucleotide variant.
Coding change: c.443A>G on transcript NM_001276345.2 (MANE Select); coding-DNA position 443, A replaced by G.
Protein change: p.Gln148Arg; replaces glutamine 148 with arginine.
Molecular consequence: missense variant.
Genome position (GRCh38, 1-based): chr1:201,364,344, T>C on the plus strand (A>G on the coding strand, the complement: TNNT2 is on the minus strand). VCF-style: chr1-201364344-T-C. GRCh37 (hg19) VCF-style: chr1-201333472-T-C.
Other names: p.Q138R:CAG>CGG; c.443A>G, p.Gln148Arg (NM_000364.4); c.413A>G, p.Gln138Arg (NM_001001430.3, NM_001001431.3, NM_001276347.2); c.398A>G, p.Gln133Arg (NM_001001432.3); c.323A>G, p.Gln108Arg (NM_001276346.2); short protein forms Q138R, Q148R, Q133R, Q108R.
Identifiers: ClinVar variation 180553 (VCV000180553.4), dbSNP rs730880232, ClinGen allele CA004499.

ClinVar aggregate classification (germline): Uncertain significance. Review status: criteria provided, single submitter (1 of 4 stars). 3 submissions from 3 submitters: Uncertain significance (1). 2 of the submissions do not count toward it. Last evaluated 2014-02-09.

Submissions (3):

GeneDx
Classification: Uncertain significance. Last evaluated: 2014-02-09. Review status: criteria provided, single submitter. Criteria: GeneDx Variant Classification (06012015). Collection method: clinical testing. Allele origin: germline. Affected: yes.
Comment: p.Gln138Arg (CAG>CGG): c.413 A>G in exon 10 of the TNNT2 gene (NM_001001430.1). The Q138R variant in the TNNT2 gene has not been reported as a disease-causing mutation or as a benign polymorphism to our knowledge. The Q138R variant is a semi-conservative amino acid substitution as these residues share similar properties, but differ in size, charge, or other properties which may impact secondary structure. The Q138 residue is conserved in mammals. In silico analysis predicts Q138R is damaging to the protein structure/function. Another mutation at the same residue (Q138H), as well as mutations in nearby residues (R134G, E136K, R139H, R141Q), have been reported in association with cardiomyopathy, supporting the functional importance of this region of the protein. Furthermore, the Q138R variant was not observed in approximately 6,500 individuals of European and African American ancestry in the NHLBI Exome Sequencing Project, indicating it is not a common benign variant in these populations. In summary, while Q138R is a good candidate for a disease-causing mutation, with the clinical and molecular information available at this time we cannot unequivocally determine the clinical significance of this variant. Hereditary hypertrophic cardiomyopathy (HCM) is primarily an autosomal dominant disease characterized by myocardial hypertrophy in the absence of other cardiac or systemic causes. HCM is most frequently caused by mutations in genes coding for sarcomeric proteins in the cardiac muscle leading to myocyte disarray, a hallmark feature of HCM. Less commonly, ventricular hypertrophy is a presenting feature of genetic systemic disorders, such as Danon disease, Fabry disease, or mitochondrial cardiomyopathy. HCM has a variable clinical presentation; including palpitations, chest pain, heart failure, syncope, or sudden death, although some individuals may be asymptomatic (Marian A et al., 1995; Maron B, 2003). Mutations in the TNNT2 gene have been reported in 5-15% of patients with autosomal dominant familial hypertrophic cardiomyopathy, often characterized by minimal left ventricular hypertrophy (LVH) but a high incidence of sudden cardiac death (Moolman J et al., 1997; Cirino A et al., 2011). Mutations in TNNT2 have been reported less frequently in association with autosomal dominant familial dilated cardiomyopathy (Hershberger R et al., 2009). The variant is found in HCM panel(s).

Clinical Genetics, Academic Medical Center
Classification: Uncertain significance. Review status: no assertion criteria provided. Collection method: clinical testing. Allele origin: germline. Affected: yes. Study: VKGL Data-share Consensus. Not counted in ClinVar's aggregate classification.

Genome Diagnostics Laboratory, University Medical Center Utrecht
Classification: Uncertain significance. Review status: no assertion criteria provided. Collection method: clinical testing. Allele origin: germline. Affected: yes. Study: VKGL Data-share Consensus. Not counted in ClinVar's aggregate classification.